The following is an entry in ClinVar:

ClinVar aggregate classification (germline): Uncertain significance. Review status: criteria provided, multiple submitters, no conflicts (2 of 4 stars). 2 submissions from 2 submitters: Uncertain significance (2). Last evaluated 2025-05-02.

Conditions:
Periodic fever-infantile enterocolitis-autoinflammatory syndrome. Also called: Autoinflammation with infantile enterocolitis. Identifiers: Orphanet 436166, MedGen C4015067, MONDO:0014472, OMIM 616050.
Familial cold autoinflammatory syndrome 4 (FCAS4). Identifiers: Orphanet 47045, Orphanet 576349, MedGen C4015276, MONDO:0014498, OMIM 616115.

Allele frequency attached by ClinVar (database versions not stated): TOPMed 0.00001.
gnomAD v4.1: 9 of 1,613,648 alleles (0.00056%); highest among the groups gnomAD compares: Non-Finnish European, 0.00076%; no homozygotes.

Submissions (2):

Women's Health and Genetics/Laboratory Corporation of America, LabCorp
Classification: Uncertain significance. Last evaluated: 2025-05-02. Review status: criteria provided, single submitter. Criteria: LabCorp Variant Classification Summary - May 2015. Collection method: clinical testing. Allele origin: germline.
Comment: Variant summary: NLRC4 c.2474T>C (p.Ile825Thr) results in a non-conservative amino acid change in the encoded protein sequence. Algorithms developed to predict the effect of missense changes on protein structure and function are either unavailable or do not agree on the potential impact of this missense change. The variant allele was found at a frequency of 1.2e-05 in 250710 control chromosomes. The available data on variant occurrences in the general population are insufficient to allow any conclusion about variant significance. To our knowledge, no occurrence of c.2474T>C in individuals affected with Periodic fever-infantile enterocolitis-autoinflammatory syndrome and no experimental evidence demonstrating its impact on protein function have been reported. ClinVar contains an entry for this variant (Variation ID: 938148). Based on the evidence outlined above, the variant was classified as uncertain significance.

Labcorp Genetics (formerly Invitae), Labcorp
Classification: Uncertain significance for Periodic fever-infantile enterocolitis-autoinflammatory syndrome; Familial cold autoinflammatory syndrome 4. Last evaluated: 2024-02-24. Review status: criteria provided, single submitter. Criteria: Invitae Variant Classification Sherloc (09022015). Collection method: clinical testing. Allele origin: germline.
Comment: This sequence change replaces isoleucine, which is neutral and non-polar, with threonine, which is neutral and polar, at codon 825 of the NLRC4 protein (p.Ile825Thr). This variant is present in population databases (rs747331080, gnomAD 0.003%). This variant has not been reported in the literature in individuals affected with NLRC4-related conditions. ClinVar contains an entry for this variant (Variation ID: 938148). Advanced modeling of protein sequence and biophysical properties (such as structural, functional, and spatial information, amino acid conservation, physicochemical variation, residue mobility, and thermodynamic stability) performed at Invitae indicates that this missense variant is expected to disrupt NLRC4 protein function with a positive predictive value of 80%. In summary, the available evidence is currently insufficient to determine the role of this variant in disease. Therefore, it has been classified as a Variant of Uncertain Significance.

NM_001199138.2(NLRC4):c.2474T>C (p.Ile825Thr)

Gene: NLRC4 (NLR family CARD domain containing 4; minus strand). Cytogenetic location: 2p22.3.
Variant type: single nucleotide variant.
Coding change: c.2474T>C on transcript NM_001199138.2 (MANE Select); coding-DNA position 2474, T replaced by C.
Protein change: p.Ile825Thr; replaces isoleucine 825 with threonine.
Molecular consequence: missense variant.
Genome position (GRCh38, 1-based): chr2:32,238,179, A>G on the plus strand (T>C on the coding strand, the complement: NLRC4 is on the minus strand). VCF-style: chr2-32238179-A-G. GRCh37 (hg19) VCF-style: chr2-32463248-A-G.
Other names: c.2474T>C, p.Ile825Thr (NM_021209.5, NM_001199139.2); c.479T>C, p.Ile160Thr (NM_001302504.2); short protein forms I825T, I160T.
Identifiers: ClinVar variation 938148 (VCV000938148.9), dbSNP rs747331080, ClinGen allele CA1601789.
Genomic context (GRCh38, chr2:32,238,179, plus strand): 5'-AAGCAACAGTTACCTAGGATTTTCACTGCATTTGCAGACAAGCAGCAGGAGACTAATTGA[A>G]TTTCTTCAAGGTCACAGGGTTCACTTGACAGAGACTTGACTATGTAATCCATTCCCTCTC-3'
Protein context (NP_001186067.1, residues 815-835): LSSEPCDLEE[Ile825Thr]QLVSCCLSAN